The following is an entry in ClinVar:

NM_000135.4(FANCA):c.3627-3_3627-2del

Gene: FANCA (FA complementation group A; minus strand). Cytogenetic location: 16q24.3.
Variant type: Deletion.
Coding change: c.3627-3_3627-2del on transcript NM_000135.4 (MANE Select); 3 bases into the intron before coding-DNA position 3627 through the canonical splice acceptor site of the intron before coding-DNA position 3627, 2 bases deleted (CA; older notation c.3627-3_3627-2delCA).
Molecular consequence: splice acceptor variant.
Genome position (GRCh38, 1-based): chr16:89,742,940-89,742,941, TG deleted on the plus strand (CA on the coding strand, the reverse complement: FANCA is on the minus strand). VCF-style (leftmost placement, unchanged base first): chr16-89742939-CTG-C. GRCh37 (hg19) VCF-style: chr16-89809347-CTG-C.
Other names: c.3627-3_3627-2del (NM_001286167.3).
Identifiers: ClinVar variation 974162 (VCV000974162.7), dbSNP rs2062172458, ClinGen allele CA1139664957.

ClinVar aggregate classification (germline): Pathogenic/Likely pathogenic. Review status: criteria provided, multiple submitters, no conflicts (2 of 4 stars). 3 submissions from 3 submitters: Pathogenic (1); Likely pathogenic (1). 1 of the submissions does not count toward it. Last evaluated 2023-04-07.

Conditions:
Fanconi anemia (FA). Also called: Fanconi's anemia. Identifiers: Orphanet 84, MedGen C0015625, MeSH D005199, MONDO:0019391.
Fanconi anemia complementation group A (FANCA). Also called: Fanconi anemia, group A; FANCA-Related Fanconi Anemia. Identifiers: Orphanet 84, MedGen C3469521, MONDO:0009215, OMIM 227650.

Submissions (3):

Labcorp Genetics (formerly Invitae), Labcorp
Classification: Likely pathogenic for Fanconi anemia. Last evaluated: 2023-04-07. Review status: criteria provided, single submitter. Criteria: Invitae Variant Classification Sherloc (09022015). Collection method: clinical testing. Allele origin: germline.
Comment: In summary, the currently available evidence indicates that the variant is pathogenic, but additional data are needed to prove that conclusively. Therefore, this variant has been classified as Likely Pathogenic. Studies have shown that disruption of this splice site results in skipping of exon 37 or deletion of 16 base pairs in exon 37 due to activation of a cryptic splice site and introduces a premature termination codon (PMID: 15523645). The resulting mRNA is expected to undergo nonsense-mediated decay. ClinVar contains an entry for this variant (Variation ID: 974162). Disruption of this splice site has been observed in individual(s) with Fanconi anemia (PMID: 15523645). This variant is not present in population databases (gnomAD no frequency). This sequence change affects a splice site in intron 36 of the FANCA gene. RNA analysis indicates that disruption of this splice site induces altered splicing and may result in an absent or disrupted protein product.

Baylor Genetics
Classification: Pathogenic for Fanconi anemia complementation group A. Last evaluated: 2023-01-31. Review status: criteria provided, single submitter. Criteria: ACMG Guidelines, 2015. Collection method: clinical testing. Allele origin: unknown.

Leiden Open Variation Database
Classification: Pathogenic for Fanconi anemia complementation group A. Last evaluated: 2020-02-28. Review status: no assertion criteria provided. Collection method: curation. Allele origin: germline. Affected: yes. Not counted in ClinVar's aggregate classification.
Comment: Curator: Arleen D. Auerbach. Submitter to LOVD: Arleen D. Auerbach.

Literature cited by the submitters: PubMed 15523645 (cited by Labcorp Genetics (formerly Invitae), Labcorp and Leiden Open Variation Database).